The following is an entry in ClinVar:

ClinVar aggregate classification (germline): Pathogenic (1 of 4 stars; one submission).

Conditions:
Polycystic kidney disease 4 (PKD4). Also called: POLYCYSTIC KIDNEY AND HEPATIC DISEASE 1; POLYCYSTIC KIDNEY DISEASE, INFANTILE, TYPE I; POLYCYSTIC KIDNEY DISEASE 4 WITH OR WITHOUT POLYCYSTIC LIVER DISEASE; PKD3; Autosomal Recessive Polycystic Kidney Disease – PKHD1. Identifiers: MedGen C4540575, MONDO:0033004, OMIM 263200.

Submission:

Myriad Genetics, Inc.
Classification: Pathogenic for Polycystic kidney disease 4. Last evaluated: 2023-08-21. Review status: criteria provided, single submitter. Criteria: Myriad Autosomal Dominant, Autosomal Recessive and X-Linked Classification Criteria (2023). Collection method: clinical testing. Allele origin: unknown.
Comment: NM_138694.3(PKHD1):c.5648del1ins11(N1883Ifs*10) is expected to be pathogenic in the context of autosomal recessive polycystic kidney disease, PKHD1-related. This variant is predicted to lead to an abnormal or absent protein product due to the creation of a premature termination codon in PKHD1, a gene where loss-of-function variants are known to be pathogenic. Please note: this variant was assessed in the context of healthy population screening.

NM_138694.4(PKHD1):c.5648delinsTAAGAGACAGT (p.Asn1883fs)

Gene: PKHD1 (PKHD1 ciliary IPT domain containing fibrocystin/polyductin; minus strand). Cytogenetic location: 6p12.2.
Variant type: Indel.
Coding change: c.5648delinsTAAGAGACAGT on transcript NM_138694.4 (MANE Select); coding-DNA position 5648, A replaced by TAAGAGACAGT.
Protein change: p.Asn1883fs; shifts the reading frame from asparagine 1883.
Molecular consequence: frameshift variant.
Genome position (GRCh38, 1-based): chr6:52,010,412, T replaced by ACTGTCTCTTA on the plus strand (A replaced by TAAGAGACAGT on the coding strand, the reverse complement: PKHD1 is on the minus strand). VCF-style: chr6-52010412-T-ACTGTCTCTTA. GRCh37 (hg19) VCF-style: chr6-51875210-T-ACTGTCTCTTA.
Other names: c.5648delinsTAAGAGACAGT, p.Asn1883fs (NM_170724.3); short protein forms N1883fs.
Identifiers: ClinVar variation 5011424 (VCV005011424.1).